The following is an entry in ClinVar:

ClinVar aggregate classification (germline): Conflicting classifications of pathogenicity. Review status: criteria provided, conflicting classifications (1 of 4 stars). 3 submissions from 3 submitters: Uncertain significance (2); Likely benign (1). Last evaluated 2025-08-20.

Conditions:
Drash syndrome (DDS). Also called: NEPHROPATHY, WILMS TUMOR, AND GENITAL ANOMALIES; WILMS TUMOR AND PSEUDO- OR TRUE HERMAPHRODITISM. Identifiers: Orphanet 220, MedGen C0950121, MONDO:0008682, OMIM 194080.
Inborn genetic diseases. Identifiers: MedGen C0950123, MeSH D030342.
Wilms tumor 1 (WT1). Also called: Wilms tumor, somatic. Identifiers: Orphanet 654, MedGen CN033288, MONDO:0008679, OMIM 194070.

gnomAD v4.1: 1 of 1,521,772 alleles (0.000066%); highest among the groups gnomAD compares: Non-Finnish European, 0.000088%; no homozygotes.

Submissions (3):

Ambry Genetics
Classification: Likely benign for Inborn genetic diseases. Last evaluated: 2025-08-20. Review status: criteria provided, single submitter. Criteria: Ambry Variant Classification Scheme 2023. Collection method: clinical testing. Allele origin: germline.

Baylor Genetics
Classification: Uncertain significance for Drash syndrome. Last evaluated: 2024-01-18. Review status: criteria provided, single submitter. Criteria: ACMG Guidelines, 2015. Collection method: clinical testing. Allele origin: unknown.

All of Us Research Program, National Institutes of Health
Classification: Uncertain significance for Wilms tumor 1. Last evaluated: 2023-11-30. Review status: criteria provided, single submitter. Criteria: ACMG Guidelines, 2015. Collection method: clinical testing. Allele origin: germline. Inheritance: Autosomal dominant inheritance. Observed: 1 variant allele, 1 heterozygote.
Comment: This study involves interpretation of variants in research participants for the purpose of population health screening. Participant phenotype was not available at the time of variant classification. Additional details can be found in publication PMID: 35346344, PMCID: PMC8962531

NM_024426.6(WT1):c.181C>G (p.Arg61Gly)

Genes: WT1 (WT1 transcription factor; minus strand), LOC107982234 (WT1/WT1-AS bi-directional promoter region; plus strand). Cytogenetic location: 11p13.
Variant type: single nucleotide variant.
Coding change: c.181C>G on transcript NM_024426.6 (MANE Select); coding-DNA position 181, C replaced by G.
Protein change: p.Arg61Gly; replaces arginine 61 with glycine.
Molecular consequence: missense variant. On other transcripts: non-coding transcript variant (2).
Genome position (GRCh38, 1-based): chr11:32,435,180, G>C on the plus strand (C>G on the coding strand, the complement: WT1 is on the minus strand). VCF-style: chr11-32435180-G-C. GRCh37 (hg19) VCF-style: chr11-32456726-G-C.
Other names: c.181C>G, p.Arg61Gly (NM_000378.6, NM_001407044.1, NM_001407045.1 and 6 more transcripts); c.-39C>G (NM_001429031.1, NM_001429032.1, NM_001429033.1 and 1 more transcripts); c.166C>G, p.Arg56Gly (NM_024425.2); c.166C>G (NM_024426.4); short protein forms R56G, R61G.
Identifiers: ClinVar variation 3073912 (VCV003073912.3), dbSNP rs2234581, ClinGen allele CA064702.